The following is an entry in ClinVar:

NM_015166.4(MLC1):c.393C>A (p.Cys131Ter)

Gene: MLC1 (modulator of VRAC current 1; minus strand). Cytogenetic location: 22q13.33.
Variant type: single nucleotide variant.
Coding change: c.393C>A on transcript NM_015166.4 (MANE Select); coding-DNA position 393, C replaced by A.
Protein change: p.Cys131Ter; replaces cysteine 131 with a stop codon.
Molecular consequence: nonsense. On other transcripts: non-coding transcript variant (3), intron variant (3).
Genome position (GRCh38, 1-based): chr22:50,079,948, G>T on the plus strand (C>A on the coding strand, the complement: MLC1 is on the minus strand). VCF-style: chr22-50079948-G-T. GRCh37 (hg19) VCF-style: chr22-50518377-G-T.
Other names: c.393C>A, p.Cys131Ter (NM_001376472.1, NM_001376473.1, NM_001376474.1 and 6 more transcripts); c.303C>A, p.Cys101Ter (NM_001376480.1); c.156C>A, p.Cys52Ter (NM_001376484.1); c.268-2446C>A (NM_001376482.1, NM_001376483.1); c.321+396C>A (NM_001376481.1); short protein forms C101*, C131*, C52*.
Identifiers: ClinVar variation 983681 (VCV000983681.3), dbSNP rs2062077684, ClinGen allele CA412110630.

ClinVar aggregate classification (germline): Likely pathogenic (1 of 4 stars; one submission).

Conditions:
Megalencephalic leukoencephalopathy with subcortical cysts 1 (MLC1). Also called: LEUKOENCEPHALOPATHY WITH SWELLING AND CYSTS; VACUOLATING MEGALENCEPHALIC LEUKOENCEPHALOPATHY WITH SUBCORTICAL CYSTS. Identifiers: Orphanet 2478, MedGen C5779875, MONDO:0024555, OMIM 604004.

Submission:

Myriad Genetics, Inc.
Classification: Likely pathogenic for Megalencephalic leukoencephalopathy with subcortical cysts 1. Last evaluated: 2019-09-26. Review status: criteria provided, single submitter. Criteria: Myriad Women's Health Autosomal Recessive and X-Linked Classification Criteria (2019). Collection method: clinical testing. Allele origin: unknown.
Comment: NM_015166.3(MLC1):c.393C>A(C131*) is expected to be pathogenic in the context of megalencephalic leukoencephalopathy with subcortical cysts. This variant is predicted to lead to an abnormal or absent protein product due to the creation of a premature termination codon in MLC1, a gene where loss-of-function variants are known to be pathogenic. Please note: this variant was assessed in the context of healthy population screening.